The following is an entry in ClinVar:

ClinVar aggregate classification (germline): Benign (1 of 4 stars; one submission).

Allele frequency attached by ClinVar (database versions not stated): gnomAD 0.00041; gnomAD exomes 0.00276.
gnomAD v4.1: 263 of 121,572 alleles (0.22%); highest among the groups gnomAD compares: Non-Finnish European, 0.26%; no homozygotes.

Submission:

CeGaT Center for Human Genetics Tuebingen
Classification: Benign. Last evaluated: 2022-04-01. Review status: criteria provided, single submitter. Criteria: CeGaT Center For Human Genetics Tuebingen Variant Classification Criteria Version 2. Collection method: clinical testing. Allele origin: germline. Affected: yes. Observed: 1 variant allele.
Comment: PRPF3: BS1, BS2

NM_004698.4(PRPF3):c.1283-59T>A

Gene: PRPF3 (pre-mRNA processing factor 3; plus strand). Cytogenetic location: 1q21.2.
Variant type: single nucleotide variant.
Coding change: c.1283-59T>A on transcript NM_004698.4 (MANE Select); 59 bases into the intron before coding-DNA position 1283, T replaced by A.
Molecular consequence: intron variant.
Genome position (GRCh38, 1-based): chr1:150,343,250, T>A. VCF-style: chr1-150343250-T-A. GRCh37 (hg19) VCF-style: chr1-150315726-T-A.
Other names: c.878-59T>A (NM_001350529.1).
Identifiers: ClinVar variation 2639158 (VCV002639158.24), dbSNP rs149908445, ClinGen allele CA30026088.